The following is an entry in ClinVar:

NM_012188.5(FOXI1):c.936G>A (p.Thr312=)

Gene: FOXI1 (forkhead box I1; plus strand). Cytogenetic location: 5q35.1.
Variant type: single nucleotide variant.
Coding change: c.936G>A on transcript NM_012188.5 (MANE Select); coding-DNA position 936, G replaced by A.
Protein change: p.Thr312=; no amino-acid change (threonine 312 retained).
Molecular consequence: synonymous variant.
Genome position (GRCh38, 1-based): chr5:170,108,410, G>A. VCF-style: chr5-170108410-G-A. GRCh37 (hg19) VCF-style: chr5-169535414-G-A.
Other names: c.651G>A, p.Thr217= (NM_144769.4).
Identifiers: ClinVar variation 3045025 (VCV003045025.4), dbSNP rs202093484, ClinGen allele CA3555140.

ClinVar aggregate classification (germline): Likely benign. Review status: criteria provided, single submitter (1 of 4 stars). 2 submissions from 2 submitters: Likely benign (1). 1 of the submissions does not count toward it. Last evaluated 2024-05-24.

Conditions:
FOXI1-related disorder. Also called: FOXI1-related condition.

Allele frequency attached by ClinVar (database versions not stated): ESP Exome Variant Server 0.00008; gnomAD 0.00009; TOPMed 0.00012; ExAC 0.00013; 1000 Genomes Project 30x 0.00016; gnomAD exomes 0.00016; 1000 Genomes Project 0.00020.

Submissions (2):

Labcorp Genetics (formerly Invitae), Labcorp
Classification: Likely benign. Last evaluated: 2024-05-24. Review status: criteria provided, single submitter. Criteria: Invitae Variant Classification Sherloc (09022015). Collection method: clinical testing. Allele origin: germline.

PreventionGenetics, part of Exact Sciences
Classification: Likely benign for FOXI1-related condition. Last evaluated: 2019-11-14. Review status: no assertion criteria provided. Collection method: clinical testing. Allele origin: germline. Not counted in ClinVar's aggregate classification.
Comment: This variant is classified as likely benign based on ACMG/AMP sequence variant interpretation guidelines (Richards et al. 2015 PMID: 25741868, with internal and published modifications).